The following is an entry in ClinVar:

NM_004618.5(TOP3A):c.922dup (p.Met308fs)

Gene: TOP3A (DNA topoisomerase III alpha; minus strand). Cytogenetic location: 17p11.2.
Variant type: Duplication.
Coding change: c.922dup on transcript NM_004618.5 (MANE Select); coding-DNA position 922, one base duplicated (A; older notation c.922dupA).
Protein change: p.Met308fs; shifts the reading frame from methionine 308.
Molecular consequence: frameshift variant.
Genome position (GRCh38, 1-based): chr17:18,299,627, T duplicated on the plus strand (A on the coding strand, the reverse complement: TOP3A is on the minus strand). VCF-style (leftmost placement, unchanged base first): chr17-18299626-A-AT. GRCh37 (hg19) VCF-style: chr17-18202940-A-AT.
Other names: c.637dup, p.Met213fs (NM_001320759.2); short protein forms M213fs, M308fs.
Identifiers: ClinVar variation 2811047 (VCV002811047.3), dbSNP rs2545618993, ClinGen allele CA2739267256.

ClinVar aggregate classification (germline): Pathogenic (1 of 4 stars; one submission).

Submission:

Labcorp Genetics (formerly Invitae), Labcorp
Classification: Pathogenic. Last evaluated: 2022-10-31. Review status: criteria provided, single submitter. Criteria: Invitae Variant Classification Sherloc (09022015). Collection method: clinical testing. Allele origin: germline.
Comment: This sequence change creates a premature translational stop signal (p.Met308Asnfs*10) in the TOP3A gene. It is expected to result in an absent or disrupted protein product. Loss-of-function variants in TOP3A are known to be pathogenic (PMID: 30057030). For these reasons, this variant has been classified as Pathogenic. This variant has not been reported in the literature in individuals affected with TOP3A-related conditions. This variant is not present in population databases (gnomAD no frequency).

Literature cited by the submitters: PubMed 30057030.